The following is an entry in ClinVar:

NM_001170629.2(CHD8):c.181T>C (p.Ser61Pro)

Gene: CHD8 (chromodomain helicase DNA binding protein 8; minus strand). Cytogenetic location: 14q11.2.
Variant type: single nucleotide variant.
Coding change: c.181T>C on transcript NM_001170629.2 (MANE Select); coding-DNA position 181, T replaced by C.
Protein change: p.Ser61Pro; replaces serine 61 with proline.
Molecular consequence: missense variant. On other transcripts: intron variant (1).
Genome position (GRCh38, 1-based): chr14:21,431,463, A>G on the plus strand (T>C on the coding strand, the complement: CHD8 is on the minus strand). VCF-style: chr14-21431463-A-G. GRCh37 (hg19) VCF-style: chr14-21899622-A-G.
Other names: c.6+348T>C (NM_020920.4); short protein forms S61P.
Identifiers: ClinVar variation 422486 (VCV000422486.7), dbSNP rs1064795811, ClinGen allele CA16619841.

ClinVar aggregate classification (germline): Conflicting classifications of pathogenicity. Review status: criteria provided, conflicting classifications (1 of 4 stars). 2 submissions from 2 submitters: Uncertain significance (1); Likely benign (1). Last evaluated 2023-08-14.

Allele frequency attached by ClinVar (database versions not stated): gnomAD exomes below 0.00001 and 0.00001; TOPMed 0.00001; gnomAD 0.00002.
gnomAD v4.1: 9 of 1,536,576 alleles (0.00059%); highest among the groups gnomAD compares: Non-Finnish European, 0.00078%; no homozygotes.

Submissions (2):

Labcorp Genetics (formerly Invitae), Labcorp
Classification: Likely benign. Last evaluated: 2023-08-14. Review status: criteria provided, single submitter. Criteria: Invitae Variant Classification Sherloc (09022015). Collection method: clinical testing. Allele origin: germline.

GeneDx
Classification: Uncertain significance. Last evaluated: 2017-10-24. Review status: criteria provided, single submitter. Criteria: GeneDx Variant Classification (06012015). Collection method: clinical testing. Allele origin: germline. Affected: yes.
Comment: A variant of uncertain significance has been identified in the CHD8 gene. The S61P variant has not been published as a pathogenic variant, nor has it been reported as a benign variant to our knowledge. The S61P variant is observed in 2/53830 (0.004%) alleles from individuals of European background, in large population cohorts (Lek et al., 2016). The S61P variant is a non-conservative amino acid substitution, which is likely to impact secondary protein structure as these residues differ in polarity, charge, size and/or other properties. However, this substitution occurs at a position that is not conserved. In silico analysis is inconsistent in its predictions as to whether or not the variant is damaging to the protein structure/function. Therefore, based on the currently available information, it is unclear whether this variant is a pathogenic variant or a rare benign variant.